The following is an entry in ClinVar:

ClinVar aggregate classification (germline): Uncertain significance (1 of 4 stars; one submission).

Conditions:
Hereditary cancer-predisposing syndrome. Also called: Tumor predisposition; Hereditary neoplastic syndrome; Neoplastic Syndromes, Hereditary; Hereditary Cancer Syndrome. Identifiers: Orphanet 140162, MedGen C0027672, MeSH D009386, MONDO:0015356.

Submission:

Ambry Genetics
Classification: Uncertain significance for Hereditary cancer-predisposing syndrome. Last evaluated: 2025-03-28. Review status: criteria provided, single submitter. Criteria: Ambry Variant Classification Scheme 2023. Collection method: clinical testing. Allele origin: germline.
Comment: The p.L479F variant (also known as c.1435C>T), located in coding exon 13 of the FANCC gene, results from a C to T substitution at nucleotide position 1435. The leucine at codon 479 is replaced by phenylalanine, an amino acid with highly similar properties. This amino acid position is conserved. In addition, this alteration is predicted to be tolerated by in silico analysis. Based on the available evidence, the clinical significance of this variant remains unclear.

NM_000136.3(FANCC):c.1435C>T (p.Leu479Phe)

Genes: AOPEP (aminopeptidase O (putative); plus strand), FANCC (FA complementation group C; minus strand). Cytogenetic location: 9q22.32.
Variant type: single nucleotide variant.
Coding change: c.1435C>T on transcript NM_000136.3 (MANE Select); coding-DNA position 1435, C replaced by T.
Protein change: p.Leu479Phe; replaces leucine 479 with phenylalanine.
Molecular consequence: missense variant.
Genome position (GRCh38, 1-based): chr9:95,107,164, G>A on the plus strand (C>T on the coding strand, the complement: FANCC is on the minus strand). VCF-style: chr9-95107164-G-A. GRCh37 (hg19) VCF-style: chr9-97869446-G-A.
Other names: c.1435C>T, p.Leu479Phe (NM_001243743.2); short protein forms L479F.
Identifiers: ClinVar variation 4022401 (VCV004022401.1).